The following is an entry in ClinVar:

NM_000384.3(APOB):c.8889C>T (p.Ile2963=)

Gene: APOB (apolipoprotein B; minus strand). Cytogenetic location: 2p24.1.
Variant type: single nucleotide variant.
Coding change: c.8889C>T on transcript NM_000384.3 (MANE Select); coding-DNA position 8889, C replaced by T.
Protein change: p.Ile2963=; no amino-acid change (isoleucine 2963 retained).
Molecular consequence: synonymous variant.
Genome position (GRCh38, 1-based): chr2:21,007,979, G>A on the plus strand (C>T on the coding strand, the complement: APOB is on the minus strand). VCF-style: chr2-21007979-G-A. GRCh37 (hg19) VCF-style: chr2-21230851-G-A.
Identifiers: ClinVar variation 334118 (VCV000334118.28), dbSNP rs72653097, ClinGen allele CA066098.

ClinVar aggregate classification (germline): Conflicting classifications of pathogenicity. Review status: criteria provided, conflicting classifications (1 of 4 stars). 9 submissions from 8 submitters: Uncertain significance (1); Benign (3); Likely benign (4). 1 of the submissions does not count toward it. Last evaluated 2026-01-07.

Conditions:
Hypercholesterolemia, autosomal dominant, type B (FHCL2). Also called: Familial Hypercholesterolemia Type B; APOLIPOPROTEIN B-100, FAMILIAL DEFECTIVE; APOLIPOPROTEIN B-100, FAMILIAL LIGAND-DEFECTIVE; HYPERCHOLESTEROLEMIA, FAMILIAL, DUE TO LIGAND-DEFECTIVE APOLIPOPROTEIN B; APOB-Related Familial Hypercholesterolemia, Autosomal Dominant; Familial hypercholesterolemia 2. Identifiers: MedGen C1704417, MONDO:0007751, OMIM 144010.
Familial hypobetalipoproteinemia 1. Also called: Hypobetalipoproteinemia, normotriglyceridemic; Acanthocytosis with hypobetalipoproteinemia; APOB-Related Familial Hypobetalipoproteinemia. Identifiers: MedGen C4551990, MONDO:0014252, OMIM 615558.
APOB-related disorder. Also called: APOB-related condition; APOB-related disorders.
Cardiovascular phenotype. Identifiers: MedGen CN230736.
Familial hypercholesterolemia. Also called: Familial hypercholesterolemias; Familial hypercholesterolaemia. Identifiers: MedGen C0020445, MONDO:0005439.

Allele frequency attached by ClinVar (database versions not stated): ESP Exome Variant Server 0.00146; gnomAD 0.00213; TOPMed 0.00223; 1000 Genomes Project 0.00300; 1000 Genomes Project 30x 0.00328.
gnomAD v4.1: 580 of 1,614,050 alleles (0.036%); highest among the groups gnomAD compares: African/African-American, 0.69%; 1 homozygote.

Submissions (9):

Labcorp Genetics (formerly Invitae), Labcorp
Classification: Benign for Familial hypobetalipoproteinemia 1; Hypercholesterolemia, autosomal dominant, type B. Last evaluated: 2026-01-07. Review status: criteria provided, single submitter. Criteria: Invitae Variant Classification Sherloc (09022015). Collection method: clinical testing. Allele origin: germline.

Molecular Diagnostic Laboratory for Inherited Cardiovascular Disease, Montreal Heart Institute
Classification: Benign. Last evaluated: 2025-04-09. Review status: criteria provided, single submitter. Criteria: ACMG Guidelines, 2015. Collection method: clinical testing. Allele origin: germline. Affected: no.
Comment: BS1;BP6;BP7

Blueprint Genetics
Classification: Likely benign. Last evaluated: 2024-11-26. Review status: criteria provided, single submitter. Criteria: ACMG Guidelines, 2015. Collection method: clinical testing. Allele origin: germline.

ARUP Laboratories, Molecular Genetics and Genomics, ARUP Laboratories
Classification: Likely benign. Last evaluated: 2024-04-24. Review status: criteria provided, single submitter. Criteria: ARUP Molecular Germline Variant Investigation Process 2024. Collection method: clinical testing. Allele origin: germline.

GENinCode PLC
Classification: Benign for Familial hypercholesterolemia. Last evaluated: 2022-06-21. Review status: criteria provided, single submitter. Criteria: ACMG Guidelines, 2015. Collection method: clinical testing. Allele origin: germline.

Illumina Laboratory Services, Illumina
Classification: Uncertain significance for Familial hypobetalipoproteinemia 1. Last evaluated: 2018-01-12. Review status: criteria provided, single submitter. Criteria: ICSL Variant Classification Criteria 13 December 2019. Collection method: clinical testing. Allele origin: germline.

Illumina Laboratory Services, Illumina
Classification: Likely benign for Hypercholesterolemia, autosomal dominant, type B. Last evaluated: 2018-01-12. Review status: criteria provided, single submitter. Criteria: ICSL Variant Classification Criteria 13 December 2019. Collection method: clinical testing. Allele origin: germline.
Comment: This variant was observed in the ICSL laboratory as part of a predisposition screen in an ostensibly healthy population. It had not been previously curated by ICSL or reported in the Human Gene Mutation Database (HGMD: prior to June 1st, 2018), and was therefore a candidate for classification through an automated scoring system. Utilizing variant allele frequency, disease prevalence and penetrance estimates, and inheritance mode, an automated score was calculated to assess if this variant is too frequent to cause the disease. Based on the score and internal cut-off values, a variant classified as likely benign is not then subjected to further curation. The score for this variant resulted in a classification of likely benign for this disease.

Ambry Genetics
Classification: Likely benign for Cardiovascular phenotype. Last evaluated: 2016-12-02. Review status: criteria provided, single submitter. Criteria: Ambry Variant Classification Scheme 2023. Collection method: clinical testing. Allele origin: germline.

PreventionGenetics, part of Exact Sciences
Classification: Likely benign for APOB-related condition. Last evaluated: 2020-02-19. Review status: no assertion criteria provided. Collection method: clinical testing. Allele origin: germline. Not counted in ClinVar's aggregate classification.
Comment: This variant is classified as likely benign based on ACMG/AMP sequence variant interpretation guidelines (Richards et al. 2015 PMID: 25741868, with internal and published modifications).